The following is an entry in ClinVar:

NM_000168.6(GLI3):c.1421C>T (p.Pro474Leu)

Gene: GLI3 (GLI family zinc finger 3; minus strand). Cytogenetic location: 7p14.1.
Variant type: single nucleotide variant.
Coding change: c.1421C>T on transcript NM_000168.6 (MANE Select); coding-DNA position 1421, C replaced by T.
Protein change: p.Pro474Leu; replaces proline 474 with leucine.
Molecular consequence: missense variant.
Genome position (GRCh38, 1-based): chr7:42,023,544, G>A on the plus strand (C>T on the coding strand, the complement: GLI3 is on the minus strand). VCF-style: chr7-42023544-G-A. GRCh37 (hg19) VCF-style: chr7-42063143-G-A.
Other names: short protein forms P474L.
Identifiers: ClinVar variation 1879688 (VCV001879688.29), dbSNP rs1789006385, ClinGen allele CA367324056.
Genomic context (GRCh38, chr7:42,023,544, plus strand): 5'-TGGGTGTCGAACTCCCTCGCGCAGCCTTCCCAGTGGCAGTTTGTCTCATAGATGACTTCA[G>A]GCTCCTGTTTGCTTTCATCTTTGTCCCCTTCCTCCTTGACAAGGGTTGTTCCTTCGGGCT-3'
Protein context (NP_000159.3, residues 464-484): EGDKDESKQE[Pro474Leu]EVIYETNCHW

ClinVar aggregate classification (germline): Uncertain significance (1 of 4 stars; one submission).

Submission:

CeGaT Center for Human Genetics Tuebingen
Classification: Uncertain significance. Last evaluated: 2022-12-01. Review status: criteria provided, single submitter. Criteria: CeGaT Center For Human Genetics Tuebingen Variant Classification Criteria Version 2. Collection method: clinical testing. Allele origin: germline. Affected: yes. Observed: 1 variant allele.
Comment: GLI3: PM2, PS2:Supporting